The following is an entry in ClinVar:

ClinVar aggregate classification (germline): Conflicting classifications of pathogenicity. Review status: criteria provided, conflicting classifications (1 of 4 stars). 4 submissions from 4 submitters: Uncertain significance (2); Likely benign (2). Last evaluated 2024-12-02.

Conditions:
Developmental and epileptic encephalopathy, 34 (DEE34). Also called: Early infantile epileptic encephalopathy 34; SLC12A5-Related Epilepsy of Infancy with Migrating Focal Seizures. Identifiers: Orphanet 293181, MedGen C4225257, MONDO:0014718, OMIM 616645.

Allele frequency attached by ClinVar (database versions not stated): ExAC 0.00001; gnomAD exomes 0.00001.
gnomAD v4.1: 15 of 1,606,810 alleles (0.00093%); highest among the groups gnomAD compares: Middle Eastern, 0.21%; 1 homozygote.

Submissions (4):

Labcorp Genetics (formerly Invitae), Labcorp
Classification: Likely benign for Developmental and epileptic encephalopathy, 34. Last evaluated: 2024-12-02. Review status: criteria provided, single submitter. Criteria: Invitae Variant Classification Sherloc (09022015). Collection method: clinical testing. Allele origin: germline.

Blueprint Genetics
Classification: Likely benign. Last evaluated: 2021-10-08. Review status: criteria provided, single submitter. Criteria: ACMG Guidelines, 2015. Collection method: clinical testing. Allele origin: germline.

Baylor Genetics
Classification: Uncertain significance for Developmental and epileptic encephalopathy, 34. Last evaluated: 2020-05-05. Review status: criteria provided, single submitter. Criteria: ACMG Guidelines, 2015. Collection method: clinical testing. Allele origin: unknown. Affected: yes.
Comment: This variant was determined to be of uncertain significance according to ACMG Guidelines, 2015 [PMID:25741868].

Breakthrough Genomics
Classification: Uncertain significance. Review status: criteria provided, single submitter. Criteria: ACMG Guidelines, 2015. Collection method: not provided. Allele origin: germline. Inheritance: Autosomal dominant inheritance. Affected: yes.

NM_020708.5(SLC12A5):c.148-16C>G

Gene: SLC12A5 (solute carrier family 12 member 5; plus strand). Cytogenetic location: 20q13.12.
Variant type: single nucleotide variant.
Coding change: c.148-16C>G on transcript NM_020708.5 (MANE Select); 16 bases into the intron before coding-DNA position 148, C replaced by G.
Molecular consequence: intron variant.
Genome position (GRCh38, 1-based): chr20:46,035,388, C>G. VCF-style: chr20-46035388-C-G. GRCh37 (hg19) VCF-style: chr20-44664027-C-G.
Other names: c.217-16C>G (NM_001134771.2).
Identifiers: ClinVar variation 1029767 (VCV001029767.5), dbSNP rs751494861, ClinGen allele CA9886984.
Genomic context (GRCh38, chr20:46,035,388, plus strand): 5'-CTTCCTCTGCCCTTCGCCACCCAGCTCACTCCACTTGCTCCCCCAGCCTCCTAGCACTGA[C>G]ACCCTCCCTCCATAGGAGGAGATGGACACCAGCCCTATGGTGTCCTCCTTGCTCAGTGGC-3'